The following is an entry in ClinVar:

NM_002461.3(MVD):c.352T>C (p.Phe118Leu)

Gene: MVD (mevalonate diphosphate decarboxylase; minus strand). Cytogenetic location: 16q24.2.
Variant type: single nucleotide variant.
Coding change: c.352T>C on transcript NM_002461.3 (MANE Select); coding-DNA position 352, T replaced by C.
Protein change: p.Phe118Leu; replaces phenylalanine 118 with leucine.
Molecular consequence: missense variant.
Genome position (GRCh38, 1-based): chr16:88,657,487, A>G on the plus strand (T>C on the coding strand, the complement: MVD is on the minus strand). VCF-style: chr16-88657487-A-G. GRCh37 (hg19) VCF-style: chr16-88723895-A-G.
Other names: short protein forms F118L.
Identifiers: ClinVar variation 2412900 (VCV002412900.4), dbSNP rs2507583314, ClinGen allele CA397081654.

ClinVar aggregate classification (germline): Uncertain significance (1 of 4 stars; one submission).

Submission:

GeneDx
Classification: Uncertain significance. Last evaluated: 2026-05-28. Review status: criteria provided, single submitter. Criteria: GeneDx Variant Classification Process June 2021. Collection method: clinical testing. Allele origin: germline.
Comment: Not observed at significant frequency in large population cohorts (gnomAD); In silico analysis supports that this missense variant has a deleterious effect on protein structure/function; Has not been previously published as pathogenic or benign to our knowledge